The following is an entry in ClinVar:

ClinVar aggregate classification (germline): Uncertain significance (1 of 4 stars; one submission).

Conditions:
Hereditary cancer-predisposing syndrome. Also called: Neoplastic Syndromes, Hereditary; Tumor predisposition; Hereditary Cancer Syndrome; Hereditary neoplastic syndrome. Identifiers: Orphanet 140162, MedGen C0027672, MeSH D009386, MONDO:0015356.

Submission:

Ambry Genetics
Classification: Uncertain significance for Hereditary cancer-predisposing syndrome. Last evaluated: 2024-04-01. Review status: criteria provided, single submitter. Criteria: Ambry Variant Classification Scheme 2023. Collection method: clinical testing. Allele origin: germline.
Comment: The p.D2249H variant (also known as c.6745G>C), located in coding exon 45 of the ATM gene, results from a G to C substitution at nucleotide position 6745. The aspartic acid at codon 2249 is replaced by histidine, an amino acid with similar properties. This amino acid position is conserved. In addition, this alteration is predicted to be tolerated by in silico analysis. Based on the available evidence, the clinical significance of this alteration remains unclear.

NM_000051.4(ATM):c.6745G>C (p.Asp2249His)

Genes: ATM (ATM serine/threonine kinase; plus strand), C11orf65 (chromosome 11 open reading frame 65; minus strand). Cytogenetic location: 11q22.3.
Variant type: single nucleotide variant.
Coding change: c.6745G>C on transcript NM_000051.4 (MANE Select); coding-DNA position 6745, G replaced by C.
Protein change: p.Asp2249His; replaces aspartic acid 2249 with histidine.
Molecular consequence: missense variant. On other transcripts: intron variant (2).
Genome position (GRCh38, 1-based): chr11:108,325,482, G>C. VCF-style: chr11-108325482-G-C. GRCh37 (hg19) VCF-style: chr11-108196209-G-C.
Other names: c.6745G>C, p.Asp2249His (NM_001351834.2); c.641-16411C>G (NM_001330368.2); c.*38+9738C>G (NM_001351110.2); short protein forms D2249H.
Identifiers: ClinVar variation 3325289 (VCV003325289.1).